The following is an entry in ClinVar:

ClinVar aggregate classification (germline): Benign/Likely benign. Review status: criteria provided, multiple submitters, no conflicts (2 of 4 stars). 5 submissions from 5 submitters: Benign (1); Likely benign (3). 1 of the submissions does not count toward it. Last evaluated 2026-09-01.

Conditions:
Inborn genetic diseases. Identifiers: MedGen C0950123, MeSH D030342.
CNOT3-related disorder. Also called: CNOT3-related condition.

Allele frequency attached by ClinVar (database versions not stated): 1000 Genomes Project 30x 0.00016; 1000 Genomes Project 0.00020; ESP Exome Variant Server 0.00054.
gnomAD v4.1: 827 of 1,614,048 alleles (0.051%); highest among the groups gnomAD compares: Middle Eastern, 0.35%; no homozygotes.

Submissions (5):

CeGaT Center for Human Genetics Tuebingen
Classification: Likely benign. Last evaluated: 2026-09-01. Review status: criteria provided, single submitter. Criteria: CeGaT Center For Human Genetics Tuebingen Variant Classification Criteria Version 2. Collection method: clinical testing. Allele origin: germline. Affected: yes. Observed: 2 variant alleles.
Comment: CNOT3: BS1

Labcorp Genetics (formerly Invitae), Labcorp
Classification: Benign. Last evaluated: 2025-06-03. Review status: criteria provided, single submitter. Criteria: Invitae Variant Classification Sherloc (09022015). Collection method: clinical testing. Allele origin: germline.

Blueprint Genetics
Classification: Likely benign. Last evaluated: 2024-11-08. Review status: criteria provided, single submitter. Criteria: ACMG Guidelines, 2015. Collection method: clinical testing. Allele origin: germline.

Ambry Genetics
Classification: Likely benign for Inborn genetic diseases. Last evaluated: 2022-02-03. Review status: criteria provided, single submitter. Criteria: Ambry Variant Classification Scheme 2023. Collection method: clinical testing. Allele origin: germline.

PreventionGenetics, part of Exact Sciences
Classification: Benign for CNOT3-related condition. Last evaluated: 2021-08-19. Review status: no assertion criteria provided. Collection method: clinical testing. Allele origin: germline. Not counted in ClinVar's aggregate classification.
Comment: This variant is classified as benign based on ACMG/AMP sequence variant interpretation guidelines (Richards et al. 2015 PMID: 25741868, with internal and published modifications).

NM_014516.4(CNOT3):c.1606G>A (p.Ala536Thr)

Gene: CNOT3 (CCR4-NOT transcription complex subunit 3; plus strand). Cytogenetic location: 19q13.42.
Variant type: single nucleotide variant.
Coding change: c.1606G>A on transcript NM_014516.4 (MANE Select); coding-DNA position 1606, G replaced by A.
Protein change: p.Ala536Thr; replaces alanine 536 with threonine.
Molecular consequence: missense variant.
Genome position (GRCh38, 1-based): chr19:54,152,226, G>A. VCF-style: chr19-54152226-G-A. GRCh37 (hg19) VCF-style: chr19-54655963-G-A.
Other names: short protein forms A536T.
Identifiers: ClinVar variation 1972443 (VCV001972443.30), dbSNP rs61743560, ClinGen allele CA309340489.